The following is an entry in ClinVar:

NM_018676.4(THSD1):c.1449C>T (p.Asp483=)

Gene: THSD1 (thrombospondin type 1 domain containing 1; minus strand). Cytogenetic location: 13q14.3.
Variant type: single nucleotide variant.
Coding change: c.1449C>T on transcript NM_018676.4 (MANE Select); coding-DNA position 1449, C replaced by T.
Protein change: p.Asp483=; no amino-acid change (aspartic acid 483 retained).
Molecular consequence: synonymous variant.
Genome position (GRCh38, 1-based): chr13:52,378,521, G>A on the plus strand (C>T on the coding strand, the complement: THSD1 is on the minus strand). VCF-style: chr13-52378521-G-A. GRCh37 (hg19) VCF-style: chr13-52952656-G-A.
Other names: c.1290C>T, p.Asp430= (NM_199263.3).
Identifiers: ClinVar variation 3045947 (VCV003045947.2), dbSNP rs146860541, ClinGen allele CA6991988.

ClinVar aggregate classification (germline): Likely benign (0 of 4 stars; one submission).

Conditions:
THSD1-related disorder. Also called: THSD1-related condition.

Allele frequency attached by ClinVar (database versions not stated): ExAC 0.00007; gnomAD 0.00007; TOPMed 0.00008; gnomAD exomes 0.00010; ESP Exome Variant Server 0.00023.
gnomAD v4.1: 180 of 1,613,974 alleles (0.011%); highest among the groups gnomAD compares: Admixed American, 0.017%; no homozygotes.

Submission:

PreventionGenetics, part of Exact Sciences
Classification: Likely benign for THSD1-related condition. Last evaluated: 2019-03-20. Review status: no assertion criteria provided. Collection method: clinical testing. Allele origin: germline.
Comment: This variant is classified as likely benign based on ACMG/AMP sequence variant interpretation guidelines (Richards et al. 2015 PMID: 25741868, with internal and published modifications).